The following is an entry in ClinVar:

ClinVar aggregate classification (germline): Uncertain significance (1 of 4 stars; one submission).

gnomAD v4.1: 1 of 1,587,372 alleles (0.000063%); highest among the groups gnomAD compares: Non-Finnish European, 0.000086%; no homozygotes.

Submission:

GeneDx
Classification: Uncertain significance. Last evaluated: 2026-05-20. Review status: criteria provided, single submitter. Criteria: GeneDx Variant Classification Process June 2021. Collection method: clinical testing. Allele origin: germline.
Comment: Not observed at significant frequency in large population cohorts (gnomAD); In silico analysis suggests that this missense variant does not alter protein structure/function; Has not been previously published as pathogenic or benign to our knowledge

NM_014727.3(KMT2B):c.434G>A (p.Arg145Gln)

Gene: KMT2B (lysine methyltransferase 2B; plus strand). Cytogenetic location: 19q13.12.
Variant type: single nucleotide variant.
Coding change: c.434G>A on transcript NM_014727.3 (MANE Select); coding-DNA position 434, G replaced by A.
Protein change: p.Arg145Gln; replaces arginine 145 with glutamine.
Molecular consequence: missense variant.
Genome position (GRCh38, 1-based): chr19:35,719,539, G>A. VCF-style: chr19-35719539-G-A. GRCh37 (hg19) VCF-style: chr19-36210441-G-A.
Other names: short protein forms R145Q.
Identifiers: ClinVar variation 4074510 (VCV004074510.2).